The following is an entry in ClinVar:

NM_000283.4(PDE6B):c.2150G>A (p.Cys717Tyr)

Gene: PDE6B (phosphodiesterase 6B; plus strand). Cytogenetic location: 4p16.3.
Variant type: single nucleotide variant.
Coding change: c.2150G>A on transcript NM_000283.4 (MANE Select); coding-DNA position 2150, G replaced by A.
Protein change: p.Cys717Tyr; replaces cysteine 717 with tyrosine.
Molecular consequence: missense variant.
Genome position (GRCh38, 1-based): chr4:664,901, G>A. VCF-style: chr4-664901-G-A. GRCh37 (hg19) VCF-style: chr4-658690-G-A.
Other names: c.2150G>A, p.Cys717Tyr (NM_001145291.2); c.1313G>A, p.Cys438Tyr (NM_001145292.2, NM_001350154.3, NM_001379246.1 and 1 more transcripts); c.995G>A, p.Cys332Tyr (NM_001350155.3); short protein forms C717Y, C438Y, C332Y.
Identifiers: ClinVar variation 939288 (VCV000939288.10), dbSNP rs142936195, ClinGen allele CA2794910.

ClinVar aggregate classification (germline): Uncertain significance. Review status: criteria provided, multiple submitters, no conflicts (2 of 4 stars). 2 submissions from 2 submitters: Uncertain significance (2). Last evaluated 2022-03-10.

Conditions:
Congenital stationary night blindness autosomal dominant 2. Also called: NIGHT BLINDNESS, CONGENITAL STATIONARY, RAMBUSCH TYPE. Identifiers: Orphanet 215, MedGen C1876182, MONDO:0008099, OMIM 163500.
Retinitis pigmentosa 40 (RP40). Identifiers: Orphanet 791, MedGen C3151107, MONDO:0013429, OMIM 613801.

Allele frequency attached by ClinVar (database versions not stated): gnomAD exomes below 0.00001 and 0.00001; ExAC 0.00001; gnomAD 0.00002 and 0.00004; TOPMed 0.00002; ESP Exome Variant Server 0.00008.
gnomAD v4.1: 6 of 1,613,228 alleles (0.00037%); highest among the groups gnomAD compares: African/African-American, 0.0053%; no homozygotes.

Submissions (2):

Labcorp Genetics (formerly Invitae), Labcorp
Classification: Uncertain significance. Last evaluated: 2022-03-10. Review status: criteria provided, single submitter. Criteria: Invitae Variant Classification Sherloc (09022015). Collection method: clinical testing. Allele origin: germline.
Comment: In summary, the available evidence is currently insufficient to determine the role of this variant in disease. Therefore, it has been classified as a Variant of Uncertain Significance. Algorithms developed to predict the effect of missense changes on protein structure and function are either unavailable or do not agree on the potential impact of this missense change (SIFT: "Deleterious"; PolyPhen-2: "Probably Damaging"; Align-GVGD: "Class C0"). ClinVar contains an entry for this variant (Variation ID: 939288). This variant has not been reported in the literature in individuals affected with PDE6B-related conditions. This variant is present in population databases (rs142936195, gnomAD 0.008%). This sequence change replaces cysteine, which is neutral and slightly polar, with tyrosine, which is neutral and polar, at codon 717 of the PDE6B protein (p.Cys717Tyr).

Fulgent Genetics
Classification: Uncertain significance for Congenital stationary night blindness autosomal dominant 2; Retinitis pigmentosa 40. Last evaluated: 2021-11-10. Review status: criteria provided, single submitter. Criteria: ACMG Guidelines, 2015. Collection method: clinical testing. Allele origin: unknown.